The following is an entry in ClinVar:

ClinVar aggregate classification (germline): Uncertain significance (1 of 4 stars; one submission).

Conditions:
Hypertrophic cardiomyopathy 26. Also called: Cardiomyopathy, familial hypertrophic, 26. Identifiers: Orphanet 75249, MedGen C4310749, MONDO:0014883, OMIM 617047.
Myofibrillar myopathy 5. Also called: Filaminopathy (type); FILAMINOPATHY, AUTOSOMAL DOMINANT. Identifiers: Orphanet 171445, MedGen C1836050, MONDO:0012289, OMIM 609524.
Distal myopathy with posterior leg and anterior hand involvement. Also called: WILLIAMS DISTAL MYOPATHY. Identifiers: Orphanet 63273, MedGen C3279722, MONDO:0013550, OMIM 614065.

gnomAD v4.1: 6 of 1,613,806 alleles (0.00037%); highest among the groups gnomAD compares: South Asian, 0.0011%; no homozygotes.

Submission:

Labcorp Genetics (formerly Invitae), Labcorp
Classification: Uncertain significance for Distal myopathy with posterior leg and anterior hand involvement; Myofibrillar myopathy 5; Hypertrophic cardiomyopathy 26. Last evaluated: 2025-04-09. Review status: criteria provided, single submitter. Criteria: Invitae Variant Classification Sherloc (09022015). Collection method: clinical testing. Allele origin: germline.
Comment: This sequence change replaces proline, which is neutral and non-polar, with threonine, which is neutral and polar, at codon 516 of the FLNC protein (p.Pro516Thr). This variant is present in population databases (rs551122435, gnomAD 0.003%). This missense change has been observed in individual(s) with clinical features of FLNC-related conditions (PMID: 32528171). Invitae Evidence Modeling of protein sequence and biophysical properties (such as structural, functional, and spatial information, amino acid conservation, physicochemical variation, residue mobility, and thermodynamic stability) has been performed for this missense variant. However, the output from this modeling did not meet the statistical confidence thresholds required to predict the impact of this variant on FLNC protein function. In summary, the available evidence is currently insufficient to determine the role of this variant in disease. Therefore, it has been classified as a Variant of Uncertain Significance.

Literature cited by the submitters: PubMed 32528171.

NM_001458.5(FLNC):c.1546C>A (p.Pro516Thr)

Gene: FLNC (filamin C; plus strand). Cytogenetic location: 7q32.1.
Variant type: single nucleotide variant.
Coding change: c.1546C>A on transcript NM_001458.5 (MANE Select); coding-DNA position 1546, C replaced by A.
Protein change: p.Pro516Thr; replaces proline 516 with threonine.
Molecular consequence: missense variant.
Genome position (GRCh38, 1-based): chr7:128,840,157, C>A. VCF-style: chr7-128840157-C-A. GRCh37 (hg19) VCF-style: chr7-128480211-C-A.
Other names: c.1546C>A, p.Pro516Thr (NM_001127487.2); short protein forms P516T.
Identifiers: ClinVar variation 4812655 (VCV004812655.1).
Genomic context (GRCh38, chr7:128,840,157, plus strand): 5'-GACTTCAAGGTGTTTACCAAGGGTGCCGGCAGCGGGGAGCTCAAGGTCACGGTCAAGGGG[C>A]CAAGTGAGTGCCAGAGCCCAGGGTCGTGAGGGTGGGGCTGGGGGATCATAAGGGAAGTAT-3'
Protein context (NP_001449.3, residues 506-526): SGELKVTVKG[Pro516Thr]KGTEEPVKVR